The following is an entry in ClinVar:

NM_033380.3(COL4A5):c.3304del (p.Asp1102fs)

Gene: COL4A5 (collagen type IV alpha 5 chain; plus strand). Cytogenetic location: Xq22.3.
Variant type: Deletion.
Coding change: c.3304del on transcript NM_033380.3 (MANE Select); coding-DNA position 3304, one base deleted (G; older notation c.3304delG).
Protein change: p.Asp1102fs; shifts the reading frame from aspartic acid 1102.
Molecular consequence: frameshift variant.
Genome position (GRCh38, 1-based): chrX:108,655,388, G deleted. VCF-style (leftmost placement, unchanged base first): chrX-108655387-AG-A. GRCh37 (hg19) VCF-style: chrX-107898617-AG-A.
Other names: c.3304del, p.Asp1102fs (NM_000495.5); short protein forms D1102fs.
Identifiers: ClinVar variation 635053 (VCV000635053.1), dbSNP rs1569504068, ClinGen allele CA658795147.
Genomic context (GRCh38, chrX:108,655,387, plus strand): 5'-TCAGGGTGAGCCTGGTCTGCCTGGATACCCAGGGAACCCTGGTATCAAAGGTTCTGTGGG[AG>A]ATCCTGGTTTGCCCGGATTACCAGGAACCCCTGGAGCAAAAGGACAACCAGGCCTTCCTG-3'

ClinVar aggregate classification (germline): Likely pathogenic (1 of 4 stars; one submission).

Conditions:
X-linked Alport syndrome (ATS1). Also called: COL4A5-Related Nephropathy; NEPHROPATHY AND DEAFNESS, X-LINKED. Identifiers: Orphanet 63, Orphanet 88917, MedGen C4746986, MONDO:0010520, OMIM 301050.

Submission:

Broad Center for Mendelian Genomics, Broad Institute of MIT and Harvard
Classification: Likely pathogenic for X-linked Alport syndrome. Last evaluated: 2018-06-15. Review status: criteria provided, single submitter. Criteria: ACMG Guidelines, 2015. Collection method: research. Allele origin: germline. Inheritance: X-linked inheritance. Affected: yes. Observed: 1 hemizygote.
Comment: This variant was absent from large population studies. Loss of function of the COL4A5 gene is an established disease mechanism in X-Linked Alport syndrome, and this is a loss of function variant. In summary, although additional studies are required to fully establish its pathogenicity, this variant is likely pathogenic.